The following is an entry in ClinVar:

ClinVar aggregate classification (germline): Uncertain significance. Review status: criteria provided, multiple submitters, no conflicts (2 of 4 stars). 2 submissions from 2 submitters: Uncertain significance (2). Last evaluated 2023-04-22.

Conditions:
Familial melanoma. Also called: Hereditary melanoma; Hereditary cutaneous melanoma. Identifiers: Orphanet 618, MedGen C1512419, MONDO:0018961.
Hereditary cancer-predisposing syndrome. Also called: Hereditary neoplastic syndrome; Neoplastic Syndromes, Hereditary; Tumor predisposition; Hereditary Cancer Syndrome. Identifiers: Orphanet 140162, MedGen C0027672, MeSH D009386, MONDO:0015356.

Submissions (2):

Labcorp Genetics (formerly Invitae), Labcorp
Classification: Uncertain significance for Familial melanoma. Last evaluated: 2023-04-22. Review status: criteria provided, single submitter. Criteria: Invitae Variant Classification Sherloc (09022015). Collection method: clinical testing. Allele origin: germline.
Comment: In summary, the available evidence is currently insufficient to determine the role of this variant in disease. Therefore, it has been classified as a Variant of Uncertain Significance. An algorithm developed to predict the effect of missense changes on protein structure and function (PolyPhen-2) suggests that this variant is likely to be tolerated. ClinVar contains an entry for this variant (Variation ID: 1797426). This variant has not been reported in the literature in individuals affected with CDKN2A (p16INK4a)-related conditions. This variant is not present in population databases (gnomAD no frequency). This sequence change replaces glutamic acid, which is acidic and polar, with lysine, which is basic and polar, at codon 10 of the CDKN2A (p16INK4a) protein (p.Glu10Lys).

Ambry Genetics
Classification: Uncertain significance for Hereditary cancer-predisposing syndrome. Last evaluated: 2021-03-25. Review status: criteria provided, single submitter. Criteria: Ambry Variant Classification Scheme 2023. Collection method: clinical testing. Allele origin: germline.
Comment: The p.E10K variant (also known as c.28G>A), located in coding exon 1 of the CDKN2A gene, results from a G to A substitution at nucleotide position 28. The glutamic acid at codon 10 is replaced by lysine, an amino acid with similar properties. This amino acid position is not well conserved in available vertebrate species. In addition, this alteration is predicted to be tolerated by in silico analysis. Since supporting evidence is limited at this time, the clinical significance of this alteration remains unclear.

NM_000077.5(CDKN2A):c.28G>A (p.Glu10Lys)

Gene: CDKN2A (cyclin dependent kinase inhibitor 2A; minus strand). Cytogenetic location: 9p21.3.
Variant type: single nucleotide variant.
Coding change: c.28G>A on transcript NM_000077.5; coding-DNA position 28, G replaced by A.
Protein change: p.Glu10Lys; replaces glutamic acid 10 with lysine.
Molecular consequence: missense variant (on NM_000077.6). On other transcripts: intron variant (2).
Genome position (GRCh38, 1-based): chr9:21,974,800, C>T on the plus strand (G>A on the coding strand, the complement: CDKN2A is on the minus strand). VCF-style: chr9-21974800-C-T. GRCh37 (hg19) VCF-style: chr9-21974799-C-T.
Other names: c.28G>A, p.Glu10Lys (NM_000077.6, NM_001195132.2, NM_058197.5); c.-3-3592G>A (NM_001363763.2); c.194-3592G>A (NM_058195.4); short protein forms E10K.
Identifiers: ClinVar variation 1797426 (VCV001797426.5), dbSNP rs2131113914, ClinGen allele CA373086691.
Genomic context (GRCh38, chr9:21,974,800, plus strand): 5'-CCCGCACCTCCTCTACCCGACCCCGGGCCGCGGCCGTGGCCAGCCAGTCAGCCGAAGGCT[C>T]CATGCTGCTCCCCGCCGCCGGCTCCATGCTGCTCCCCGCCGCCCGCTGCCTGCTCTCCCC-3'
Protein context (NP_000068.1, residues 1-20): MEPAAGSSM[Glu10Lys]PSADWLATAA